The following is an entry in ClinVar:

ClinVar aggregate classification (germline): Uncertain significance (1 of 4 stars; one submission).

Conditions:
CHARGE syndrome (CHARGE). Also called: Hittner Hirsch Kreh syndrome; CHARGE ASSOCIATION--COLOBOMA, HEART ANOMALY, CHOANAL ATRESIA, RETARDATION, GENITAL AND EAR ANOMALIES; Coloboma, heart anomaly, choanal atresia, retardation, genital and ear anomalies; CHARGE association; Hall-Hittner syndrome. Identifiers: Orphanet 138, MedGen C0265354, MONDO:0008965.

Submission:

Labcorp Genetics (formerly Invitae), Labcorp
Classification: Uncertain significance for CHARGE syndrome. Last evaluated: 2022-09-21. Review status: criteria provided, single submitter. Criteria: Invitae Variant Classification Sherloc (09022015). Collection method: clinical testing. Allele origin: germline.
Comment: In summary, the available evidence is currently insufficient to determine the role of this variant in disease. Therefore, it has been classified as a Variant of Uncertain Significance. Experimental studies and prediction algorithms are not available or were not evaluated, and the functional significance of this variant is currently unknown. This variant has not been reported in the literature in individuals affected with SEMA3E-related conditions. A copy number gain of the genomic region encompassing the full coding sequence of the SEMA3E gene has been identified. The boundaries of this event are unknown as they extend beyond the assayed region for this gene and therefore may encompass additional genes. As the precise location of this event is unknown, it may be in tandem or it may be located elsewhere in the genome.

NC_000007.13:g.(?_81331897)_(84751207_?)dup

Genes: CACNA2D1 (calcium voltage-gated channel auxiliary subunit alpha2delta 1; minus strand), HGF (hepatocyte growth factor; minus strand), PCLO (piccolo presynaptic cytomatrix protein; minus strand), SEMA3A (semaphorin 3A; minus strand), SEMA3D (semaphorin 3D; minus strand) and 1 more. Cytogenetic location: 7q21.11.
Variant type: Duplication.
Identifiers: ClinVar variation 2425807 (VCV002425807.4).